The following is an entry in ClinVar:

NM_000543.5(SMPD1):c.1316G>A (p.Trp439Ter)

Gene: SMPD1 (sphingomyelin phosphodiesterase 1; plus strand). Cytogenetic location: 11p15.4.
Variant type: single nucleotide variant.
Coding change: c.1316G>A on transcript NM_000543.5 (MANE Select); coding-DNA position 1316, G replaced by A.
Protein change: p.Trp439Ter; replaces tryptophan 439 with a stop codon.
Molecular consequence: nonsense. On other transcripts: non-coding transcript variant (2).
Genome position (GRCh38, 1-based): chr11:6,393,669, G>A. VCF-style: chr11-6393669-G-A. GRCh37 (hg19) VCF-style: chr11-6414899-G-A.
Other names: c.1313G>A, p.Trp438Ter (NM_001007593.3); c.1316G>A, p.Trp439Ter (NM_001318087.2); c.395G>A, p.Trp132Ter (NM_001318088.2); c.1184G>A, p.Trp395Ter (NM_001365135.2); short protein forms W438*, W132*, W395*, W439*.
Identifiers: ClinVar variation 2950238 (VCV002950238.3), dbSNP rs2493817085, ClinGen allele CA379374467.
Genomic context (GRCh38, chr11:6,393,669, plus strand): 5'-CCTACTAGGTGCATATAATTGGCCACATTCCCCCAGGGCACTGTCTGAAGAGCTGGAGCT[G>A]GAATTATTACCGAATTGTAGCCAGGTAGGACGGAGATGAGGGTGGGAATAGGGACAGGGT-3'

ClinVar aggregate classification (germline): Pathogenic (1 of 4 stars; one submission).

Conditions:
Niemann-Pick disease, type B. Also called: Chronic Visceral ASMD (Niemann-Pick Disease Type B; NPD-B). Identifiers: Orphanet 77293, MedGen C0268243, MONDO:0011871, OMIM 607616. Disease mechanism: loss of function.
Niemann-Pick disease, type A. Also called: SPHINGOMYELIN LIPIDOSIS; SPHINGOMYELINASE DEFICIENCY; Infantile Neurovisceral ASMD (Niemann-Pick Disease Type A; NPD-A). Identifiers: Orphanet 77292, MedGen C0268242, MONDO:0009756, OMIM 257200. Disease mechanism: loss of function.

Submission:

Labcorp Genetics (formerly Invitae), Labcorp
Classification: Pathogenic for Niemann-Pick disease, type B; Niemann-Pick disease, type A. Last evaluated: 2023-08-16. Review status: criteria provided, single submitter. Criteria: Invitae Variant Classification Sherloc (09022015). Collection method: clinical testing. Allele origin: germline.
Comment: For these reasons, this variant has been classified as Pathogenic. This variant has not been reported in the literature in individuals affected with SMPD1-related conditions. This variant is not present in population databases (gnomAD no frequency). This sequence change creates a premature translational stop signal (p.Trp439*) in the SMPD1 gene. It is expected to result in an absent or disrupted protein product. Loss-of-function variants in SMPD1 are known to be pathogenic (PMID: 12369017, 15221801).

Literature cited by the submitters: PubMed 12369017; PubMed 15221801.